The following is an entry in ClinVar:

NM_012275.3(IL36RN):c.451T>A (p.Phe151Ile)

Gene: IL36RN (interleukin 36 receptor antagonist; plus strand). Cytogenetic location: 2q14.1.
Variant type: single nucleotide variant.
Coding change: c.451T>A on transcript NM_012275.3 (MANE Select); coding-DNA position 451, T replaced by A.
Protein change: p.Phe151Ile; replaces phenylalanine 151 with isoleucine.
Molecular consequence: missense variant.
Genome position (GRCh38, 1-based): chr2:113,062,660, T>A. VCF-style: chr2-113062660-T-A. GRCh37 (hg19) VCF-style: chr2-113820237-T-A.
Other names: c.451T>A, p.Phe151Ile (NM_173170.1); short protein forms F151I.
Identifiers: ClinVar variation 1057322 (VCV001057322.12), dbSNP rs545202535, ClinGen allele CA1838471.

ClinVar aggregate classification (germline): Uncertain significance. Review status: criteria provided, multiple submitters, no conflicts (2 of 4 stars). 2 submissions from 2 submitters: Uncertain significance (2). Last evaluated 2025-03-31.

Conditions:
Generalized pustular psoriasis. Identifiers: Orphanet 247353, MedGen C0343055, MONDO:0100491.
Autoinflammatory syndrome. Identifiers: Orphanet 93665, MedGen C3890737, MONDO:0019751.

Allele frequency attached by ClinVar (database versions not stated): gnomAD 0.00001; gnomAD exomes 0.00011; ExAC 0.00013; 1000 Genomes Project 30x 0.00016; 1000 Genomes Project 0.00020.
gnomAD v4.1: 71 of 1,611,654 alleles (0.0044%); highest among the groups gnomAD compares: South Asian, 0.074%; 1 homozygote.

Submissions (2):

Labcorp Genetics (formerly Invitae), Labcorp
Classification: Uncertain significance for Generalized pustular psoriasis. Last evaluated: 2025-03-31. Review status: criteria provided, single submitter. Criteria: Invitae Variant Classification Sherloc (09022015). Collection method: clinical testing. Allele origin: germline.
Comment: This sequence change replaces phenylalanine, which is neutral and non-polar, with isoleucine, which is neutral and non-polar, at codon 151 of the IL36RN protein (p.Phe151Ile). This variant is present in population databases (rs545202535, gnomAD 0.07%). This variant has not been reported in the literature in individuals affected with IL36RN-related conditions. ClinVar contains an entry for this variant (Variation ID: 1057322). An algorithm developed to predict the effect of missense changes on protein structure and function (PolyPhen-2) suggests that this variant is likely to be disruptive. In summary, the available evidence is currently insufficient to determine the role of this variant in disease. Therefore, it has been classified as a Variant of Uncertain Significance.

Genome Diagnostics Laboratory, The Hospital for Sick Children
Classification: Uncertain significance for Autoinflammatory syndrome. Last evaluated: 2018-01-01. Review status: criteria provided, single submitter. Criteria: ACMG Guidelines, 2015. Collection method: clinical testing. Allele origin: germline. Affected: yes.